The following is an entry in ClinVar:

NM_001349253.2(SCN11A):c.3952-2A>G

Gene: SCN11A (sodium voltage-gated channel alpha subunit 11; minus strand). Cytogenetic location: 3p22.2.
Variant type: single nucleotide variant.
Coding change: c.3952-2A>G on transcript NM_001349253.2 (MANE Select); the canonical splice acceptor site of the intron before coding-DNA position 3952, A replaced by G.
Molecular consequence: splice acceptor variant.
Genome position (GRCh38, 1-based): chr3:38,863,301, T>C on the plus strand (A>G on the coding strand, the complement: SCN11A is on the minus strand). VCF-style: chr3-38863301-T-C. GRCh37 (hg19) VCF-style: chr3-38904792-T-C.
Other names: c.3952-2A>G (NM_014139.3).
Identifiers: ClinVar variation 943790 (VCV000943790.7), dbSNP rs1288853770, ClinGen allele CA352168337.

ClinVar aggregate classification (germline): Uncertain significance (1 of 4 stars; one submission).

Conditions:
Familial episodic pain syndrome with predominantly lower limb involvement. Also called: Episodic pain syndrome, familial, 3. Identifiers: Orphanet 391384, Orphanet 391392, MedGen C3809899, MONDO:0014247, OMIM 615552.
Hereditary sensory and autonomic neuropathy type 7. Also called: HSAN VII; Neuropathy, hereditary sensory and autonomic, type VII. Identifiers: Orphanet 391397, MedGen C3809882, MONDO:0014244, OMIM 615548.

Allele frequency attached by ClinVar (database versions not stated): gnomAD exomes below 0.00001 and 0.00001; TOPMed below 0.00001.
gnomAD v4.1: 9 of 1,491,108 alleles (0.0006%); highest among the groups gnomAD compares: Non-Finnish European, 0.00084%; no homozygotes.

Submission:

Labcorp Genetics (formerly Invitae), Labcorp
Classification: Uncertain significance for Familial episodic pain syndrome with predominantly lower limb involvement; Hereditary sensory and autonomic neuropathy type 7. Last evaluated: 2020-05-20. Review status: criteria provided, single submitter. Criteria: Invitae Variant Classification Sherloc (09022015). Collection method: clinical testing. Allele origin: germline.
Comment: This variant has not been reported in the literature in individuals with SCN11A-related conditions. This variant is not present in population databases (ExAC no frequency). This sequence change affects an acceptor splice site in intron 23 of the SCN11A gene. It is expected to disrupt RNA splicing and likely results in an absent or disrupted protein product. The current clinical and genetic evidence is not sufficient to establish whether loss-of-function variants in SCN11A cause disease. In summary, the available evidence is currently insufficient to determine the role of this variant in disease. Therefore, it has been classified as a Variant of Uncertain Significance.